The following is an entry in ClinVar:

ClinVar aggregate classification (germline): Uncertain significance. Review status: criteria provided, multiple submitters, no conflicts (2 of 4 stars). 3 submissions from 3 submitters: Uncertain significance (3). Last evaluated 2025-12-01.

Conditions:
Inborn genetic diseases. Identifiers: MedGen C0950123, MeSH D030342.
Familial sleep-related hypermotor epilepsy. Also called: Autosomal Dominant Sleep-Related Hypermotor (Hyperkinetic) Epilepsy. Identifiers: Orphanet 98784, MedGen C3696898, MONDO:0000030.

Allele frequency attached by ClinVar (database versions not stated): TOPMed below 0.00001; gnomAD 0.00001; gnomAD exomes 0.00001.
gnomAD v4.1: 14 of 1,614,132 alleles (0.00087%); highest among the groups gnomAD compares: Middle Eastern, 0.016%; no homozygotes.

Submissions (3):

Labcorp Genetics (formerly Invitae), Labcorp
Classification: Uncertain significance. Last evaluated: 2025-12-01. Review status: criteria provided, single submitter. Criteria: Invitae Variant Classification Sherloc (09022015). Collection method: clinical testing. Allele origin: germline.
Comment: This sequence change replaces threonine, which is neutral and polar, with isoleucine, which is neutral and non-polar, at codon 57 of the CHRNB2 protein (p.Thr57Ile). This variant is present in population databases (no rsID available, gnomAD 0.01%). This variant has not been reported in the literature in individuals affected with CHRNB2-related conditions. ClinVar contains an entry for this variant (Variation ID: 447040). Invitae Evidence Modeling of protein sequence and biophysical properties (such as structural, functional, and spatial information, amino acid conservation, physicochemical variation, residue mobility, and thermodynamic stability) indicates that this missense variant is not expected to disrupt CHRNB2 protein function with a negative predictive value of 80%. In summary, the available evidence is currently insufficient to determine the role of this variant in disease. Therefore, it has been classified as a Variant of Uncertain Significance.

Ambry Genetics
Classification: Uncertain significance for Inborn genetic diseases. Last evaluated: 2024-07-07. Review status: criteria provided, single submitter. Criteria: Ambry Variant Classification Scheme 2023. Collection method: clinical testing. Allele origin: germline.

Athena Diagnostics
Classification: Uncertain significance. Last evaluated: 2016-10-11. Review status: criteria provided, single submitter. Criteria: Athena Diagnostics Criteria. Collection method: clinical testing. Allele origin: germline.

NM_000748.3(CHRNB2):c.170C>T (p.Thr57Ile)

Gene: CHRNB2 (cholinergic receptor nicotinic beta 2 subunit; plus strand). Cytogenetic location: 1q21.3.
Variant type: single nucleotide variant.
Coding change: c.170C>T on transcript NM_000748.3 (MANE Select); coding-DNA position 170, C replaced by T.
Protein change: p.Thr57Ile; replaces threonine 57 with isoleucine.
Molecular consequence: missense variant.
Genome position (GRCh38, 1-based): chr1:154,569,567, C>T. VCF-style: chr1-154569567-C-T. GRCh37 (hg19) VCF-style: chr1-154542043-C-T.
Other names: short protein forms T57I.
Identifiers: ClinVar variation 447040 (VCV000447040.6), dbSNP rs1483069937, ClinGen allele CA342629385.